The following is an entry in ClinVar:

NM_014991.6(WDFY3):c.4458A>G (p.Gly1486=)

Gene: WDFY3 (WD repeat and FYVE domain containing 3; minus strand). Cytogenetic location: 4q21.23.
Variant type: single nucleotide variant.
Coding change: c.4458A>G on transcript NM_014991.6 (MANE Select); coding-DNA position 4458, A replaced by G.
Protein change: p.Gly1486=; no amino-acid change (glycine 1486 retained).
Molecular consequence: synonymous variant.
Genome position (GRCh38, 1-based): chr4:84,778,563, T>C on the plus strand (A>G on the coding strand, the complement: WDFY3 is on the minus strand). VCF-style: chr4-84778563-T-C. GRCh37 (hg19) VCF-style: chr4-85699716-T-C.
Identifiers: ClinVar variation 2654873 (VCV002654873.24), dbSNP rs2533253731, ClinGen allele CA440123819.
Genomic context (GRCh38, chr4:84,778,563, plus strand): 5'-TTCAAAATCACAGAGGAGGTCCTGGAAAGCAGTTGAATTTGGAATAATGGAGGTCTCATG[T>C]CCACTATCAACAGTTCCCACCAAAGAAAAAGTTAGATGGAGGATGTGGCTGTTAAGAAGG-3'
Protein context (NP_055806.2, residues 1476-1496): TFSLVGTVDS[Gly1486=]HETSIIPNST

ClinVar aggregate classification (germline): Likely benign (1 of 4 stars; one submission).

Submission:

CeGaT Center for Human Genetics Tuebingen
Classification: Likely benign. Last evaluated: 2023-01-01. Review status: criteria provided, single submitter. Criteria: CeGaT Center For Human Genetics Tuebingen Variant Classification Criteria Version 2. Collection method: clinical testing. Allele origin: germline. Affected: yes. Observed: 1 variant allele.
Comment: WDFY3: PM2:Supporting, BP4, BP7